The following is an entry in ClinVar:

ClinVar aggregate classification (germline): Uncertain significance (1 of 4 stars; one submission).

Conditions:
Glucose-6-phosphate transport defect (GSD1B). Also called: Glycogen Storage Disease Type Ib; GSD Ib. Identifiers: Orphanet 364, Orphanet 79259, MedGen C0268146, MONDO:0009288, OMIM 232220.

Allele frequency attached by ClinVar (database versions not stated): gnomAD exomes below 0.00001; TOPMed below 0.00001; gnomAD 0.00001.

Submission:

Labcorp Genetics (formerly Invitae), Labcorp
Classification: Uncertain significance for Glucose-6-phosphate transport defect. Last evaluated: 2023-12-21. Review status: criteria provided, single submitter. Criteria: Invitae Variant Classification Sherloc (09022015). Collection method: clinical testing. Allele origin: germline.
Comment: This sequence change replaces cysteine, which is neutral and slightly polar, with glycine, which is neutral and non-polar, at codon 242 of the SLC37A4 protein (p.Cys242Gly). This variant is not present in population databases (gnomAD no frequency). This variant has not been reported in the literature in individuals affected with SLC37A4-related conditions. ClinVar contains an entry for this variant (Variation ID: 2202158). Advanced modeling of protein sequence and biophysical properties (such as structural, functional, and spatial information, amino acid conservation, physicochemical variation, residue mobility, and thermodynamic stability) performed at Invitae indicates that this missense variant is not expected to disrupt SLC37A4 protein function with a negative predictive value of 80%. In summary, the available evidence is currently insufficient to determine the role of this variant in disease. Therefore, it has been classified as a Variant of Uncertain Significance.

NM_001164277.2(SLC37A4):c.724T>G (p.Cys242Gly)

Gene: SLC37A4 (solute carrier family 37 member 4; minus strand). Cytogenetic location: 11q23.3.
Variant type: single nucleotide variant.
Coding change: c.724T>G on transcript NM_001164277.2 (MANE Select); coding-DNA position 724, T replaced by G.
Protein change: p.Cys242Gly; replaces cysteine 242 with glycine.
Molecular consequence: missense variant.
Genome position (GRCh38, 1-based): chr11:119,026,997, A>C on the plus strand (T>G on the coding strand, the complement: SLC37A4 is on the minus strand). VCF-style: chr11-119026997-A-C. GRCh37 (hg19) VCF-style: chr11-118897707-A-C.
Other names: c.724T>G, p.Cys242Gly (NM_001164278.2, NM_001164280.2, NM_001467.6); c.505T>G, p.Cys169Gly (NM_001164279.2); short protein forms C242G, C169G.
Identifiers: ClinVar variation 2202158 (VCV002202158.3), dbSNP rs1178886617, ClinGen allele CA382901194.